The following is an entry in ClinVar:

ClinVar aggregate classification (germline): Benign/Likely benign. Review status: criteria provided, multiple submitters, no conflicts (2 of 4 stars). 5 submissions from 5 submitters: Benign (1); Likely benign (2). 2 of the submissions do not count toward it. Last evaluated 2026-04-17.

Conditions:
PIK3R1-related disorder. Also called: PIK3R1-related condition.
Agammaglobulinemia 7, autosomal recessive (AGM7). Also called: AGAMMAGLOBULINEMIA, AUTOSOMAL RECESSIVE, DUE TO PIK3R1 DEFECT. Identifiers: MedGen C3554689, MONDO:0014083, OMIM 615214.
SHORT syndrome. Also called: PIK3R1-Related SHORT Syndrome; SHORT STATURE, HYPEREXTENSIBILITY, HERNIA, OCULAR DEPRESSION, RIEGER ANOMALY, AND TEETHING DELAY; LIPODYSTROPHY, PARTIAL, WITH RIEGER ANOMALY AND SHORT STATURE. Identifiers: Orphanet 3163, MedGen C0878684, MONDO:0010026, OMIM 269880.
Immunodeficiency 36 with lymphoproliferation. Also called: ACTIVATED PI3K-DELTA SYNDROME 2; Immunodeficiency 36; Activated PI3K Delta Syndrome Type 2 (APDS2). Identifiers: Orphanet 397596, Orphanet 693681, MedGen C4014934, MONDO:0014453, OMIM 616005.

Allele frequency attached by ClinVar (database versions not stated): gnomAD below 0.00001 and 0.00033; TOPMed 0.00004; gnomAD exomes 0.00054 and 0.00101; ExAC 0.00127; 1000 Genomes Project 30x 0.00156; 1000 Genomes Project 0.00180.
gnomAD v4.1: 805 of 1,553,598 alleles (0.052%); highest among the groups gnomAD compares: South Asian, 0.9%; 10 homozygotes.

Submissions (5):

PreventionGenetics, part of Exact Sciences
Classification: Likely benign for PIK3R1-related condition. Last evaluated: 2026-04-17. Review status: criteria provided, single submitter. Criteria: ACMG Guidelines, 2015. Collection method: clinical testing. Allele origin: germline.
Comment: This variant is classified as likely benign based on ACMG/AMP sequence variant interpretation guidelines (Richards et al. 2015 PMID: 25741868, with internal and published modifications).

Labcorp Genetics (formerly Invitae), Labcorp
Classification: Benign for SHORT syndrome; Immunodeficiency 36 with lymphoproliferation; Agammaglobulinemia 7, autosomal recessive. Last evaluated: 2025-12-24. Review status: criteria provided, single submitter. Criteria: Invitae Variant Classification Sherloc (09022015). Collection method: clinical testing. Allele origin: germline.

Blueprint Genetics
Classification: Likely benign. Last evaluated: 2024-11-21. Review status: criteria provided, single submitter. Criteria: ACMG Guidelines, 2015. Collection method: clinical testing. Allele origin: germline.

Clinical Genetics DNA and cytogenetics Diagnostics Lab, Erasmus MC, Erasmus Medical Center
Classification: Likely benign. Review status: no assertion criteria provided. Collection method: clinical testing. Allele origin: germline. Affected: yes. Study: VKGL Data-share Consensus. Not counted in ClinVar's aggregate classification.

Laboratory of Diagnostic Genome Analysis, Leiden University Medical Center (LUMC)
Classification: Likely benign. Review status: no assertion criteria provided. Collection method: clinical testing. Allele origin: germline. Affected: yes. Study: VKGL Data-share Consensus. Not counted in ClinVar's aggregate classification.

NM_181523.3(PIK3R1):c.837-7C>T

Gene: PIK3R1 (phosphoinositide-3-kinase regulatory subunit 1; plus strand). Cytogenetic location: 5q13.1.
Variant type: single nucleotide variant.
Coding change: c.837-7C>T on transcript NM_181523.3 (MANE Select); 7 bases into the intron before coding-DNA position 837, C replaced by T.
Molecular consequence: intron variant.
Genome position (GRCh38, 1-based): chr5:68,280,920, C>T. VCF-style: chr5-68280920-C-T. GRCh37 (hg19) VCF-style: chr5-67576748-C-T.
Identifiers: ClinVar variation 463168 (VCV000463168.16), dbSNP rs571365105, ClinGen allele CA3290153.
Genomic context (GRCh38, chr5:68,280,920, plus strand): 5'-AGTGTATATAAATGAAAATGAGTTTGCTTTTAGGGAAAAGGTTTCTAATAAACTCTCTTT[C>T]TTACAGCTCTGATAATACTGAAAACCTCATAAAAGTTATAGAAATTTTAATCTCAACTGA-3'